The following is an entry in ClinVar:

NM_000350.3(ABCA4):c.6691A>G (p.Ile2231Val)

Gene: ABCA4 (ATP binding cassette subfamily A member 4; minus strand). Cytogenetic location: 1p22.1.
Variant type: single nucleotide variant.
Coding change: c.6691A>G on transcript NM_000350.3 (MANE Select); coding-DNA position 6691, A replaced by G.
Protein change: p.Ile2231Val; replaces isoleucine 2231 with valine.
Molecular consequence: missense variant.
Genome position (GRCh38, 1-based): chr1:93,997,899, T>C on the plus strand (A>G on the coding strand, the complement: ABCA4 is on the minus strand). VCF-style: chr1-93997899-T-C. GRCh37 (hg19) VCF-style: chr1-94463455-T-C.
Other names: c.6469A>G, p.Ile2157Val (NM_001425324.1); short protein forms I2231V, I2157V.
Identifiers: ClinVar variation 2167230 (VCV002167230.1), dbSNP rs1659052861, ClinGen allele CA341276301.
Genomic context (GRCh38, chr1:93,997,899, plus strand): 5'-CGGTGCCCCAGGGCCAACTTGCCTGGTCCAGTGTGGTCTGTGTGACTGAGTACTCCTCGA[T>C]GAGCAGGCTGTCCTTGTGGGAGAGGAGGAGCTGGAAGATCCTCGCCAGGGAGGAGGAGGA-3'
Protein context (NP_000341.2, residues 2221-2241): LLLSHKDSLL[Ile2231Val]EEYSVTQTTL

ClinVar aggregate classification (germline): Uncertain significance (1 of 4 stars; one submission).

Allele frequency attached by ClinVar (database versions not stated): gnomAD 0.00001.
gnomAD v4.1: 2 of 1,613,946 alleles (0.00012%); highest among the groups gnomAD compares: Admixed American, 0.0017%; no homozygotes.

Submission:

Labcorp Genetics (formerly Invitae), Labcorp
Classification: Uncertain significance. Last evaluated: 2022-08-16. Review status: criteria provided, single submitter. Criteria: Invitae Variant Classification Sherloc (09022015). Collection method: clinical testing. Allele origin: germline.
Comment: This sequence change replaces isoleucine, which is neutral and non-polar, with valine, which is neutral and non-polar, at codon 2231 of the ABCA4 protein (p.Ile2231Val). This variant is not present in population databases (gnomAD no frequency). This variant has not been reported in the literature in individuals affected with ABCA4-related conditions. Algorithms developed to predict the effect of missense changes on protein structure and function are either unavailable or do not agree on the potential impact of this missense change (SIFT: "Deleterious"; PolyPhen-2: "Benign"; Align-GVGD: "Class C25"). In summary, the available evidence is currently insufficient to determine the role of this variant in disease. Therefore, it has been classified as a Variant of Uncertain Significance.